The following is an entry in ClinVar:

NM_001079855.2(GYG2):c.161C>T (p.Ser54Leu)

Gene: GYG2 (glycogenin 2; plus strand). Cytogenetic location: Xp22.33.
Variant type: single nucleotide variant.
Coding change: c.161C>T on transcript NM_001079855.2 (MANE Select); coding-DNA position 161, C replaced by T.
Protein change: p.Ser54Leu; replaces serine 54 with leucine.
Molecular consequence: missense variant. On other transcripts: 5 prime UTR variant (1).
Genome position (GRCh38, 1-based): chrX:2,853,991, C>T. VCF-style: chrX-2853991-C-T. GRCh37 (hg19) VCF-style: chrX-2772032-C-T.
Other names: c.161C>T, p.Ser54Leu (NM_001184702.2); c.254C>T, p.Ser85Leu (NM_001184703.2, NM_003918.3); c.-305C>T (NM_001184704.2); short protein forms S54L, S85L.
Identifiers: ClinVar variation 2974198 (VCV002974198.3), dbSNP rs760623010, ClinGen allele CA10337021.
Genomic context (GRCh38, chrX:2,853,991, plus strand): 5'-TGCTGAATATTCACCCGCTGTCCCACTATTTGGCACATGTCTGTTCCAGGGTCATCCTCT[C>T]GAAGGTGTTCGATGAAGTCATTGAAGTGAATCTAATCGATAGTGCCGACTACATCCACCT-3'
Protein context (NP_001073324.1, residues 44-64): QVSSLLRVIL[Ser54Leu]KVFDEVIEVN

ClinVar aggregate classification (germline): Uncertain significance (1 of 4 stars; one submission).

Allele frequency attached by ClinVar (database versions not stated): gnomAD 0.00001; gnomAD exomes 0.00002; ExAC 0.00009; 1000 Genomes Project 30x 0.00021; 1000 Genomes Project 0.00026.
gnomAD v4.1: 21 of 1,198,143 alleles (0.0018%); highest among the groups gnomAD compares: South Asian, 0.034%; no homozygotes.

Submission:

Labcorp Genetics (formerly Invitae), Labcorp
Classification: Uncertain significance. Last evaluated: 2024-10-25. Review status: criteria provided, single submitter. Criteria: Invitae Variant Classification Sherloc (09022015). Collection method: clinical testing. Allele origin: germline.
Comment: This sequence change replaces serine, which is neutral and polar, with leucine, which is neutral and non-polar, at codon 85 of the GYG2 protein (p.Ser85Leu). This variant is present in population databases (rs760623010, gnomAD 0.06%), and has an allele count higher than expected for a pathogenic variant. This variant has not been reported in the literature in individuals affected with GYG2-related conditions. An algorithm developed to predict the effect of missense changes on protein structure and function (PolyPhen-2) suggests that this variant is likely to be tolerated. In summary, the available evidence is currently insufficient to determine the role of this variant in disease. Therefore, it has been classified as a Variant of Uncertain Significance.